The following is an entry in ClinVar:

ClinVar aggregate classification (germline): Likely benign (1 of 4 stars; one submission).

Conditions:
CTNNA2-related disorder. Also called: CTNNA2-related condition.

gnomAD v4.1: 118 of 1,613,848 alleles (0.0073%); highest among the groups gnomAD compares: Admixed American, 0.067%; no homozygotes.

Submission:

PreventionGenetics, part of Exact Sciences
Classification: Likely benign for CTNNA2-related condition. Last evaluated: 2025-06-25. Review status: criteria provided, single submitter. Criteria: ACMG Guidelines, 2015. Collection method: clinical testing. Allele origin: germline.
Comment: This variant is classified as likely benign based on ACMG/AMP sequence variant interpretation guidelines (Richards et al. 2015 PMID: 25741868, with internal and published modifications).

NM_001282597.3(CTNNA2):c.49T>C (p.Leu17=)

Gene: CTNNA2 (catenin alpha 2; plus strand). Cytogenetic location: 2p12.
Variant type: single nucleotide variant.
Coding change: c.49T>C on transcript NM_001282597.3 (MANE Select); coding-DNA position 49, T replaced by C.
Protein change: p.Leu17=; no amino-acid change (leucine 17 retained).
Molecular consequence: synonymous variant.
Genome position (GRCh38, 1-based): chr2:79,651,605, T>C. VCF-style: chr2-79651605-T-C. GRCh37 (hg19) VCF-style: chr2-79878731-T-C.
Other names: c.49T>C, p.Leu17= (NM_001164883.2, NM_001399737.1, NM_004389.4); c.151T>C, p.Leu51= (NM_001282598.2).
Identifiers: ClinVar variation 4981605 (VCV004981605.1).